The following is an entry in ClinVar:

NM_000428.3(LTBP2):c.2771C>T (p.Ala924Val)

Gene: LTBP2 (latent transforming growth factor beta binding protein 2; minus strand). Cytogenetic location: 14q24.3.
Variant type: single nucleotide variant.
Coding change: c.2771C>T on transcript NM_000428.3 (MANE Select); coding-DNA position 2771, C replaced by T.
Protein change: p.Ala924Val; replaces alanine 924 with valine.
Molecular consequence: missense variant.
Genome position (GRCh38, 1-based): chr14:74,521,928, G>A on the plus strand (C>T on the coding strand, the complement: LTBP2 is on the minus strand). VCF-style: chr14-74521928-G-A. GRCh37 (hg19) VCF-style: chr14-74988631-G-A.
Other names: short protein forms A924V.
Identifiers: ClinVar variation 314296 (VCV000314296.14), dbSNP rs142675579, ClinGen allele CA7269395.

ClinVar aggregate classification (germline): Conflicting classifications of pathogenicity. Review status: criteria provided, conflicting classifications (1 of 4 stars). 5 submissions from 4 submitters: Uncertain significance (3); Likely benign (2). Last evaluated 2026-01-29.

Conditions:
LTBP2-related disorder. Also called: LTBP2-related disorders; LTBP2-related condition.
Weill-Marchesani syndrome. Also called: WM Syndrome; Mesodermal dysmorphodystrophy congenital. Identifiers: Orphanet 3449, MedGen C0265313, MONDO:0018096.
Glaucoma 3, primary congenital, D. Identifiers: Orphanet 98976, MedGen C2751316, MONDO:0013122, OMIM 613086.

Allele frequency attached by ClinVar (database versions not stated): ExAC 0.00037; gnomAD exomes 0.00038; gnomAD 0.00067 and 0.00068; ESP Exome Variant Server 0.00069; TOPMed 0.00082; 1000 Genomes Project 30x 0.00109; 1000 Genomes Project 0.00140.
gnomAD v4.1: 320 of 1,614,134 alleles (0.02%); highest among the groups gnomAD compares: African/African-American, 0.23%; no homozygotes.

Submissions (5):

Labcorp Genetics (formerly Invitae), Labcorp
Classification: Likely benign. Last evaluated: 2026-01-29. Review status: criteria provided, single submitter. Criteria: Invitae Variant Classification Sherloc (09022015). Collection method: clinical testing. Allele origin: germline.

PreventionGenetics, part of Exact Sciences
Classification: Likely benign for LTBP2-related condition. Last evaluated: 2024-12-26. Review status: criteria provided, single submitter. Criteria: ACMG Guidelines, 2015. Collection method: clinical testing. Allele origin: germline.
Comment: This variant is classified as likely benign based on ACMG/AMP sequence variant interpretation guidelines (Richards et al. 2015 PMID: 25741868, with internal and published modifications).

GeneDx
Classification: Uncertain significance. Last evaluated: 2024-08-10. Review status: criteria provided, single submitter. Criteria: GeneDx Variant Classification Process June 2021. Collection method: clinical testing. Allele origin: germline. Affected: yes.
Comment: In silico analysis indicates that this missense variant does not alter protein structure/function; Reported in an individual with relative anterior microphthalmos who harbored a second LTBP2 variant but it is not known whether the variants occurred on the same (in cis) or on different (in trans) chromosomes (PMID: 38545692); This variant is associated with the following publications: (PMID: 38545692)

Illumina Laboratory Services, Illumina
Classification: Uncertain significance for Weill-Marchesani syndrome. Last evaluated: 2018-01-12. Review status: criteria provided, single submitter. Criteria: ICSL Variant Classification Criteria 13 December 2019. Collection method: clinical testing. Allele origin: germline.

Illumina Laboratory Services, Illumina
Classification: Uncertain significance for Glaucoma 3, primary congenital, D. Last evaluated: 2018-01-12. Review status: criteria provided, single submitter. Criteria: ICSL Variant Classification Criteria 13 December 2019. Collection method: clinical testing. Allele origin: germline.